The following is an entry in ClinVar:

ClinVar aggregate classification (germline): Uncertain significance (1 of 4 stars; one submission).

Allele frequency attached by ClinVar (database versions not stated): TOPMed 0.00002.

Submission:

Labcorp Genetics (formerly Invitae), Labcorp
Classification: Uncertain significance. Last evaluated: 2025-05-04. Review status: criteria provided, single submitter. Criteria: Invitae Variant Classification Sherloc (09022015). Collection method: clinical testing. Allele origin: germline.
Comment: This sequence change replaces methionine, which is neutral and non-polar, with valine, which is neutral and non-polar, at codon 86 of the OTULIN protein (p.Met86Val). This variant is not present in population databases (gnomAD no frequency). This variant has not been reported in the literature in individuals affected with OTULIN-related conditions. ClinVar contains an entry for this variant (Variation ID: 1910902). Invitae Evidence Modeling of protein sequence and biophysical properties (such as structural, functional, and spatial information, amino acid conservation, physicochemical variation, residue mobility, and thermodynamic stability) indicates that this missense variant is not expected to disrupt OTULIN protein function with a negative predictive value of 80%. In summary, the available evidence is currently insufficient to determine the role of this variant in disease. Therefore, it has been classified as a Variant of Uncertain Significance.

NM_138348.6(OTULIN):c.256A>G (p.Met86Val)

Gene: OTULIN (OTU deubiquitinase with linear linkage specificity; plus strand). Cytogenetic location: 5p15.2.
Variant type: single nucleotide variant.
Coding change: c.256A>G on transcript NM_138348.6 (MANE Select); coding-DNA position 256, A replaced by G.
Protein change: p.Met86Val; replaces methionine 86 with valine.
Molecular consequence: missense variant.
Genome position (GRCh38, 1-based): chr5:14,678,707, A>G. VCF-style: chr5-14678707-A-G. GRCh37 (hg19) VCF-style: chr5-14678816-A-G.
Other names: short protein forms M86V.
Identifiers: ClinVar variation 1910902 (VCV001910902.3), dbSNP rs1050637891, ClinGen allele CA114009371.